The following is an entry in ClinVar:

Conditions:
Breast-ovarian cancer, familial, susceptibility to, 1 (BROVCA1). Also called: BRCA1 Hereditary Breast and Ovarian Cancer; OVARIAN CANCER, SUSCEPTIBILITY TO. Identifiers: Orphanet 145, MedGen C2676676, MONDO:0011450, OMIM 604370. Disease mechanism: loss of function.

Submission:

Brotman Baty Institute, University of Washington
No classification provided (evidence only). Condition: Breast-ovarian cancer, familial 1. Review status: no classification provided. Collection method: in vitro. Allele origin: not applicable. Functional consequence: functionally_abnormal.
ClinVar note: "not provided" was previously submitted as the classification for the variant. However, the classification appeared to be based only on an observation of functional data so it was converted to no classification on 2025-07-30.

NM_007294.4(BRCA1):c.281A>T (p.Gln94Leu)

Gene: BRCA1 (BRCA1 DNA repair associated; minus strand). Cytogenetic location: 17q21.31.
Variant type: single nucleotide variant.
Coding change: c.281A>T on transcript NM_007294.4 (MANE Select); coding-DNA position 281, A replaced by T.
Protein change: p.Gln94Leu; replaces glutamine 94 with leucine.
Molecular consequence: missense variant. On other transcripts: non-coding transcript variant (1).
Genome position (GRCh38, 1-based): chr17:43,104,888, T>A on the plus strand (A>T on the coding strand, the complement: BRCA1 is on the minus strand). VCF-style: chr17-43104888-T-A. GRCh37 (hg19) VCF-style: chr17-41256905-T-A.
Other names: c.281A>T, p.Gln94Leu (NM_001407941.1, NM_001407968.1, NM_001407969.1 and 168 more transcripts); c.140A>T, p.Gln47Leu (NM_001407942.1, NM_001407943.1, NM_001407944.1 and 99 more transcripts); c.71A>T, p.Gln24Leu (NM_001407946.1, NM_001407947.1, NM_001407948.1 and 58 more transcripts); c.-101A>T (NM_001407959.1, NM_001407960.1, NM_001407962.1 and 4 more transcripts); c.203A>T, p.Gln68Leu (NM_001408409.1, NM_001408411.1, NM_001408412.1 and 21 more transcripts); c.149A>T, p.Gln50Leu (NM_001408451.1); short protein forms Q47L, Q94L, Q68L, Q24L, Q50L.
Identifiers: ClinVar variation 865630 (VCV000865630.3), dbSNP rs2054675893, ClinGen allele CA10601591.